The following is an entry in ClinVar:

NM_020821.3(VPS13C):c.866C>A (p.Pro289His)

Gene: VPS13C (vacuolar protein sorting 13 homolog C; minus strand). Cytogenetic location: 15q22.2.
Variant type: single nucleotide variant.
Coding change: c.866C>A on transcript NM_020821.3 (MANE Select); coding-DNA position 866, C replaced by A.
Protein change: p.Pro289His; replaces proline 289 with histidine.
Molecular consequence: missense variant.
Genome position (GRCh38, 1-based): chr15:62,012,124, G>T on the plus strand (C>A on the coding strand, the complement: VPS13C is on the minus strand). VCF-style: chr15-62012124-G-T. GRCh37 (hg19) VCF-style: chr15-62304323-G-T.
Other names: c.866C>A, p.Pro289His (NM_001018088.3); c.737C>A, p.Pro246His (NM_017684.5, NM_018080.4); short protein forms P246H, P289H.
Identifiers: ClinVar variation 3342532 (VCV003342532.3).

ClinVar aggregate classification (germline): Uncertain significance. Review status: criteria provided, multiple submitters, no conflicts (2 of 4 stars). 2 submissions from 2 submitters: Uncertain significance (2). Last evaluated 2024-02-20.

gnomAD v4.1: 74 of 1,530,498 alleles (0.0048%); highest among the groups gnomAD compares: Non-Finnish European, 0.0064%; no homozygotes.

Submissions (2):

Labcorp Genetics (formerly Invitae), Labcorp
Classification: Uncertain significance. Last evaluated: 2024-02-20. Review status: criteria provided, single submitter. Criteria: Invitae Variant Classification Sherloc (09022015). Collection method: clinical testing. Allele origin: germline.
Comment: This sequence change replaces proline, which is neutral and non-polar, with histidine, which is basic and polar, at codon 289 of the VPS13C protein (p.Pro289His). This variant is present in population databases (rs200657349, gnomAD 0.01%). This variant has not been reported in the literature in individuals affected with VPS13C-related conditions. Advanced modeling of protein sequence and biophysical properties (such as structural, functional, and spatial information, amino acid conservation, physicochemical variation, residue mobility, and thermodynamic stability) performed at Invitae indicates that this missense variant is not expected to disrupt VPS13C protein function with a negative predictive value of 80%. In summary, the available evidence is currently insufficient to determine the role of this variant in disease. Therefore, it has been classified as a Variant of Uncertain Significance.

GeneDx
Classification: Uncertain significance. Last evaluated: 2023-07-04. Review status: criteria provided, single submitter. Criteria: GeneDx Variant Classification Process June 2021. Collection method: clinical testing. Allele origin: germline. Affected: yes.
Comment: In silico analysis supports that this missense variant has a deleterious effect on protein structure/function; Has not been previously published as pathogenic or benign to our knowledge